The following is an entry in ClinVar:

ClinVar aggregate classification (germline): Uncertain significance. Review status: criteria provided, multiple submitters, no conflicts (2 of 4 stars). 2 submissions from 2 submitters: Uncertain significance (2). Last evaluated 2025-03-25.

Conditions:
Cardiovascular phenotype. Identifiers: MedGen CN230736.
Brugada syndrome 4 (BRGDA4). Identifiers: Orphanet 130, MedGen C2678477, MONDO:0012743, OMIM 611876.

Allele frequency attached by ClinVar (database versions not stated): gnomAD 0.00001.
gnomAD v4.1: 24 of 1,613,970 alleles (0.0015%); highest among the groups gnomAD compares: African/African-American, 0.004%; no homozygotes.

Submissions (2):

Ambry Genetics
Classification: Uncertain significance for Cardiovascular phenotype. Last evaluated: 2025-03-25. Review status: criteria provided, single submitter. Criteria: Ambry Variant Classification Scheme 2023. Collection method: clinical testing. Allele origin: germline.
Comment: The p.R5C variant (also known as c.13C>T), located in coding exon 1 of the CACNB2 gene, results from a C to T substitution at nucleotide position 13. The arginine at codon 5 is replaced by cysteine, an amino acid with highly dissimilar properties. This amino acid position is conserved. In addition, this alteration is predicted to be tolerated by in silico analysis. Since supporting evidence is limited at this time, the clinical significance of this alteration remains unclear.

Labcorp Genetics (formerly Invitae), Labcorp
Classification: Uncertain significance for Brugada syndrome 4. Last evaluated: 2023-05-21. Review status: criteria provided, single submitter. Criteria: Invitae Variant Classification Sherloc (09022015). Collection method: clinical testing. Allele origin: germline.
Comment: An algorithm developed to predict the effect of missense changes on protein structure and function (PolyPhen-2) suggests that this variant is likely to be disruptive. In summary, the available evidence is currently insufficient to determine the role of this variant in disease. Therefore, it has been classified as a Variant of Uncertain Significance. ClinVar contains an entry for this variant (Variation ID: 1771760). This variant has not been reported in the literature in individuals affected with CACNB2-related conditions. This variant is present in population databases (no rsID available, gnomAD 0.007%). This sequence change replaces arginine, which is basic and polar, with cysteine, which is neutral and slightly polar, at codon 5 of the CACNB2 protein (p.Arg5Cys).

NM_201590.3(CACNB2):c.13C>T (p.Arg5Cys)

Gene: CACNB2 (calcium voltage-gated channel auxiliary subunit beta 2; plus strand). Cytogenetic location: 10p12.32.
Variant type: single nucleotide variant.
Coding change: c.13C>T on transcript NM_201590.3 (MANE Plus Clinical); coding-DNA position 13, C replaced by T.
Protein change: p.Arg5Cys; replaces arginine 5 with cysteine.
Molecular consequence: missense variant. On other transcripts: intron variant (8).
Genome position (GRCh38, 1-based): chr10:18,340,939, C>T. VCF-style: chr10-18340939-C-T. GRCh37 (hg19) VCF-style: chr10-18629868-C-T.
Other names: c.130-60985C>T (NM_201571.4, NM_001167945.2, NM_201572.4); c.214-60985C>T (NM_201596.3, NM_201593.3, NM_201597.3); c.49-60985C>T (NM_000724.4, NM_001330060.2); short protein forms R5C.
Identifiers: ClinVar variation 1771760 (VCV001771760.4), dbSNP rs774231919, ClinGen allele CA376219127.